The following is an entry in ClinVar:

ClinVar aggregate classification (germline): Conflicting classifications of pathogenicity. Review status: criteria provided, conflicting classifications (1 of 4 stars). 8 submissions from 7 submitters: Uncertain significance (5); Likely benign (2). 1 of the submissions does not count toward it. Last evaluated 2026-06-21.

Conditions:
CDH23-related disorder. Also called: CDH23-related condition; CDH23-related disorders.
Usher syndrome type 1 (USH1). Also called: RETINITIS PIGMENTOSA AND CONGENITAL DEAFNESS. Identifiers: Orphanet 231169, Orphanet 886, MedGen C1568247, MONDO:0010168, OMIM 276900.
Usher syndrome type 1D (USH1D). Also called: USHER SYNDROME, TYPE ID. Identifiers: Orphanet 231169, Orphanet 886, MedGen C1832845, MONDO:0010984, OMIM 601067.
Autosomal recessive nonsyndromic hearing loss 12. Also called: DEAFNESS, AUTOSOMAL RECESSIVE 12. Identifiers: Orphanet 90636, MedGen C1832394, MONDO:0011067, OMIM 601386.

Allele frequency attached by ClinVar (database versions not stated): gnomAD exomes 0.00001 and 0.00003; ExAC 0.00003; gnomAD 0.00007 and 0.00008; TOPMed 0.00013.
gnomAD v4.1: 28 of 1,613,234 alleles (0.0017%); highest among the groups gnomAD compares: Admixed American, 0.018%; no homozygotes.

Submissions (8):

Women's Health and Genetics/Laboratory Corporation of America, LabCorp
Classification: Uncertain significance. Last evaluated: 2026-06-21. Review status: criteria provided, single submitter. Criteria: LabCorp Variant Classification Summary - May 2015. Collection method: clinical testing. Allele origin: germline.

PreventionGenetics, part of Exact Sciences
Classification: Likely benign for CDH23-related condition. Last evaluated: 2025-09-05. Review status: criteria provided, single submitter. Criteria: ACMG Guidelines, 2015. Collection method: clinical testing. Allele origin: germline.
Comment: This variant is classified as likely benign based on ACMG/AMP sequence variant interpretation guidelines (Richards et al. 2015 PMID: 25741868, with internal and published modifications).

Blueprint Genetics
Classification: Likely benign. Last evaluated: 2024-09-08. Review status: criteria provided, single submitter. Criteria: ACMG Guidelines, 2015. Collection method: clinical testing. Allele origin: germline.

Labcorp Genetics (formerly Invitae), Labcorp
Classification: Uncertain significance. Last evaluated: 2022-05-22. Review status: criteria provided, single submitter. Criteria: Invitae Variant Classification Sherloc (09022015). Collection method: clinical testing. Allele origin: germline.
Comment: This sequence change falls in intron 19 of the CDH23 gene. It does not directly change the encoded amino acid sequence of the CDH23 protein. It affects a nucleotide within the consensus splice site. This variant is present in population databases (rs727502923, gnomAD 0.009%). This variant has not been reported in the literature in individuals affected with CDH23-related conditions. ClinVar contains an entry for this variant (Variation ID: 162890). Variants that disrupt the consensus splice site are a relatively common cause of aberrant splicing (PMID: 17576681, 9536098). Algorithms developed to predict the effect of sequence changes on RNA splicing suggest that this variant is not likely to affect RNA splicing. In summary, the available evidence is currently insufficient to determine the role of this variant in disease. Therefore, it has been classified as a Variant of Uncertain Significance.

Illumina Laboratory Services, Illumina
Classification: Uncertain significance for Usher syndrome type 1D. Last evaluated: 2018-01-13. Review status: criteria provided, single submitter. Criteria: ICSL Variant Classification Criteria 13 December 2019. Collection method: clinical testing. Allele origin: germline.

Illumina Laboratory Services, Illumina
Classification: Uncertain significance for Autosomal recessive nonsyndromic hearing loss 12. Last evaluated: 2018-01-13. Review status: criteria provided, single submitter. Criteria: ICSL Variant Classification Criteria 13 December 2019. Collection method: clinical testing. Allele origin: germline.

Laboratory for Molecular Medicine, Mass General Brigham Personalized Medicine
Classification: Uncertain significance. Last evaluated: 2013-05-31. Review status: criteria provided, single submitter. Criteria: LMM Criteria. Collection method: clinical testing. Allele origin: germline. Observed: 1 variant allele.
Comment: Variant classified as Uncertain Significance - Favor Benign. The 2059+6G>A varia nt in CDH23 has been reported in 1/244 of chromosomes without additional informa tion (Deafness Variant Database). This var iant is located in the 5' splice region, but not in the invariant +1/+2 splice s ite positions. Computational tools do not suggest an impact to splicing and this nucleotide position is not conserved across species; though, this information i s not predictive enough to rule out pathogenicity. In summary, the clinical sign ificance of this variant cannot be determined; however, based on the lack of con servation at this position as well as the computational data, we would lean towa rds a likely benign role.

Natera, Inc.
Classification: Uncertain significance for Usher syndrome type 1. Last evaluated: 2019-10-28. Review status: no assertion criteria provided. Collection method: clinical testing. Allele origin: germline. Not counted in ClinVar's aggregate classification.

Literature cited by the submitters: PubMed 17576681 (cited by Labcorp Genetics (formerly Invitae), Labcorp); PubMed 9536098 (cited by Labcorp Genetics (formerly Invitae), Labcorp).

NM_022124.6(CDH23):c.2059+6G>A

Gene: CDH23 (cadherin related 23; plus strand). Cytogenetic location: 10q22.1.
Variant type: single nucleotide variant.
Coding change: c.2059+6G>A on transcript NM_022124.6 (MANE Select); 6 bases into the intron after coding-DNA position 2059, G replaced by A.
Molecular consequence: intron variant.
Genome position (GRCh38, 1-based): chr10:71,687,725, G>A. VCF-style: chr10-71687725-G-A. GRCh37 (hg19) VCF-style: chr10-73447482-G-A.
Other names: c.2059+6G>A (NM_001171930.2, NM_001171931.2).
Identifiers: ClinVar variation 162890 (VCV000162890.13), dbSNP rs727502923, ClinGen allele CA175470.